The following is an entry in ClinVar:

NM_001366385.1(CARD14):c.2226G>C (p.Gln742His)

Genes: CARD14 (caspase recruitment domain family member 14; plus strand), SGSH (N-sulfoglucosamine sulfohydrolase; minus strand). Cytogenetic location: 17q25.3.
Variant type: single nucleotide variant.
Coding change: c.2226G>C on transcript NM_001366385.1 (MANE Select); coding-DNA position 2226, G replaced by C.
Protein change: p.Gln742His; replaces glutamine 742 with histidine.
Molecular consequence: missense variant. On other transcripts: non-coding transcript variant (1).
Genome position (GRCh38, 1-based): chr17:80,203,828, G>C. VCF-style: chr17-80203828-G-C. GRCh37 (hg19) VCF-style: chr17-78177627-G-C.
Other names: c.2226G>C, p.Gln742His (NM_024110.4); short protein forms Q742H.
Identifiers: ClinVar variation 1062643 (VCV001062643.9), dbSNP rs2144510433, ClinGen allele CA401354380.

ClinVar aggregate classification (germline): Uncertain significance (1 of 4 stars; one submission).

Conditions:
Psoriasis 2. Identifiers: MedGen C1864497, MONDO:0011269, OMIM 602723.
Pityriasis rubra pilaris (PRP). Also called: Pityriasis rubra pilaris--familial type. Identifiers: Orphanet 2897, MedGen C0032027, MONDO:0100017, OMIM 173200, MONDO:0008251.

Allele frequency attached by ClinVar (database versions not stated): gnomAD exomes below 0.00001.
gnomAD v4.1: 1 of 1,578,956 alleles (0.000063%); highest among the groups gnomAD compares: Non-Finnish European, 0.000086%; no homozygotes.

Submission:

Labcorp Genetics (formerly Invitae), Labcorp
Classification: Uncertain significance for Pityriasis rubra pilaris; Psoriasis 2. Last evaluated: 2020-06-04. Review status: criteria provided, single submitter. Criteria: Invitae Variant Classification Sherloc (09022015). Collection method: clinical testing. Allele origin: germline.
Comment: In summary, the available evidence is currently insufficient to determine the role of this variant in disease. Therefore, it has been classified as a Variant of Uncertain Significance. Algorithms developed to predict the effect of missense changes on protein structure and function are either unavailable or do not agree on the potential impact of this missense change (SIFT: "Deleterious"; PolyPhen-2: "Benign"; Align-GVGD: "Class C0"). This variant has not been reported in the literature in individuals with CARD14-related conditions. This variant is not present in population databases (ExAC no frequency). This sequence change replaces glutamine with histidine at codon 742 of the CARD14 protein (p.Gln742His). The glutamine residue is moderately conserved and there is a small physicochemical difference between glutamine and histidine.